The following is an entry in ClinVar:

ClinVar aggregate classification (germline): Benign. Review status: criteria provided, multiple submitters, no conflicts (2 of 4 stars). 9 submissions from 9 submitters: Benign (6). 3 of the submissions do not count toward it. Last evaluated 2026-02-02.

Conditions:
Epidermolysis bullosa simplex 5C, with pyloric atresia (EBS5C). Also called: PLEC-Related Epidermolysis Bullosa with Pyloric Atresia; Epidermolysis bullosa simplex with pyloric atresia; PLEC1-Related Epidermolysis Bullosa with Pyloric Atresia. Identifiers: Orphanet 158684, MedGen C2677349, MONDO:0012807, OMIM 612138.
Autosomal recessive limb-girdle muscular dystrophy type 2Q (LGMDR17). Also called: MUSCULAR DYSTROPHY, LIMB-GIRDLE, AUTOSOMAL RECESSIVE 17. Identifiers: Orphanet 254361, MedGen C3150989, MONDO:0013390, OMIM 613723.
Epidermolysis bullosa simplex with nail dystrophy (EBS5D). Identifiers: MedGen C4225309, MONDO:0014661, OMIM 616487.
Epidermolysis bullosa simplex 5B, with muscular dystrophy (EBS5B). Also called: Epidermolysis bullosa simplex with muscular dystrophy; EPIDERMOLYSIS BULLOSA SIMPLEX AND LIMB-GIRDLE MUSCULAR DYSTROPHY. Identifiers: Orphanet 257, MedGen C2931072, MONDO:0009181, OMIM 226670.
Epidermolysis bullosa simplex, Ogna type (EBS5A). Also called: Pidermolysis bullosa simplex 5A, Ogna type; EPIDERMOLYSIS BULLOSA SIMPLEX 5A, OGNA TYPE. Identifiers: Orphanet 79401, MedGen C0432317, MONDO:0007555, OMIM 131950.

Allele frequency attached by ClinVar (database versions not stated): gnomAD exomes 0.01973; ExAC 0.02350; 1000 Genomes Project 0.06490; 1000 Genomes Project 30x 0.06949; gnomAD 0.07039 and 0.07595; ESP Exome Variant Server 0.07510; TOPMed 0.08025.
gnomAD v4.1: 25,529 of 1,612,998 alleles (1.6%); highest among the groups gnomAD compares: African/African-American, 24%; 2,353 homozygotes.

Submissions (9):

Labcorp Genetics (formerly Invitae), Labcorp
Classification: Benign for Autosomal recessive limb-girdle muscular dystrophy type 2Q; Epidermolysis bullosa simplex, Ogna type; Epidermolysis bullosa simplex with nail dystrophy; Epidermolysis bullosa simplex 5C, with pyloric atresia; Epidermolysis bullosa simplex 5B, with muscular dystrophy. Last evaluated: 2026-02-02. Review status: criteria provided, single submitter. Criteria: Invitae Variant Classification Sherloc (09022015). Collection method: clinical testing. Allele origin: germline.

Mayo Clinic Laboratories, Mayo Clinic
Classification: Benign. Last evaluated: 2018-07-12. Review status: criteria provided, single submitter. Criteria: ACMG Guidelines, 2015. Collection method: clinical testing. Allele origin: germline. Observed: 64 variant alleles.

Athena Diagnostics
Classification: Benign. Last evaluated: 2018-06-18. Review status: criteria provided, single submitter. Criteria: Athena Diagnostics Criteria. Collection method: clinical testing. Allele origin: germline.

GeneDx
Classification: Benign. Last evaluated: 2016-03-25. Review status: criteria provided, single submitter. Criteria: GeneDx Variant Classification (06012015). Collection method: clinical testing. Allele origin: germline. Affected: yes.
Comment: This variant is considered likely benign or benign based on one or more of the following criteria: it is a conservative change, it occurs at a poorly conserved position in the protein, it is predicted to be benign by multiple in silico algorithms, and/or has population frequency not consistent with disease.

Laboratory for Molecular Medicine, Mass General Brigham Personalized Medicine
Classification: Benign. Last evaluated: 2015-01-13. Review status: criteria provided, single submitter. Criteria: LMM Criteria. Collection method: clinical testing. Allele origin: germline. Observed: 2 variant alleles.
Comment: p.Asp3077Glu in exon 32 of PLEC: This variant is not expected to have clinical s ignificance because it has been identified in 21.4% (927/4330) of African Americ an chromosomes from a broad population by the NHLBI Exome Sequencing Project (dbSNP rs58308209).

Breakthrough Genomics
Classification: Benign. Review status: criteria provided, single submitter. Criteria: ACMG Guidelines, 2015. Collection method: not provided. Allele origin: germline. Inheritance: Autosomal recessive inheritance. Affected: yes.

Clinical Genetics, Academic Medical Center
Classification: Benign. Review status: no assertion criteria provided. Collection method: clinical testing. Allele origin: germline. Affected: yes. Study: VKGL Data-share Consensus. Not counted in ClinVar's aggregate classification.

Genetic Services Laboratory, University of Chicago
Classification: Likely benign for AllHighlyPenetrant. Review status: no assertion criteria provided. Collection method: clinical testing. Allele origin: germline. Inheritance: Autosomal recessive inheritance. Not counted in ClinVar's aggregate classification.
Comment: Likely benign based on allele frequency in 1000 Genomes Project or ESP global frequency and its presence in a patient with a rare or unrelated disease phenotype. NOT Sanger confirmed.

Laboratory of Diagnostic Genome Analysis, Leiden University Medical Center (LUMC)
Classification: Likely benign. Review status: no assertion criteria provided. Collection method: clinical testing. Allele origin: germline. Affected: yes. Study: VKGL Data-share Consensus. Not counted in ClinVar's aggregate classification.

NM_201384.3(PLEC):c.8820C>G (p.Asp2940Glu)

Gene: PLEC (plectin; minus strand). Cytogenetic location: 8q24.3.
Variant type: single nucleotide variant.
Coding change: c.8820C>G on transcript NM_201384.3 (MANE Select); coding-DNA position 8820, C replaced by G.
Protein change: p.Asp2940Glu; replaces aspartic acid 2940 with glutamic acid.
Molecular consequence: missense variant.
Genome position (GRCh38, 1-based): chr8:143,921,001, G>C on the plus strand (C>G on the coding strand, the complement: PLEC is on the minus strand). VCF-style: chr8-143921001-G-C. GRCh37 (hg19) VCF-style: chr8-144995169-G-C.
Other names: p.Asp2926Glu; c.8901C>G, p.Asp2967Glu (NM_000445.5); c.8778C>G, p.Asp2926Glu (NM_201378.4); c.8754C>G, p.Asp2918Glu (NM_201379.3); c.9231C>G, p.Asp3077Glu (NM_201380.4); c.8724C>G, p.Asp2908Glu (NM_201381.3); c.8820C>G, p.Asp2940Glu (NM_201382.4); c.8832C>G, p.Asp2944Glu (NM_201383.3); short protein forms D2908E, D2918E, D2926E, D2940E, D2944E, D2967E, D3077E.
Identifiers: ClinVar variation 129960 (VCV000129960.24), dbSNP rs58308209, ClinGen allele CA154654.